The following is an entry in ClinVar:

ClinVar aggregate classification (germline): Uncertain significance (1 of 4 stars; one submission).

Submission:

Labcorp Genetics (formerly Invitae), Labcorp
Classification: Uncertain significance. Last evaluated: 2025-05-27. Review status: criteria provided, single submitter. Criteria: Invitae Variant Classification Sherloc (09022015). Collection method: clinical testing. Allele origin: germline.
Comment: This sequence change replaces lysine, which is basic and polar, with arginine, which is basic and polar, at codon 358 of the FZD4 protein (p.Lys358Arg). This variant is not present in population databases (gnomAD no frequency). This variant has not been reported in the literature in individuals affected with FZD4-related conditions. ClinVar contains an entry for this variant (Variation ID: 1716078). Invitae Evidence Modeling of protein sequence and biophysical properties (such as structural, functional, and spatial information, amino acid conservation, physicochemical variation, residue mobility, and thermodynamic stability) indicates that this missense variant is not expected to disrupt FZD4 protein function with a negative predictive value of 80%. In summary, the available evidence is currently insufficient to determine the role of this variant in disease. Therefore, it has been classified as a Variant of Uncertain Significance.

NM_012193.4(FZD4):c.1073A>G (p.Lys358Arg)

Genes: FZD4 (frizzled class receptor 4; minus strand), PRSS23 (serine protease 23; plus strand). Cytogenetic location: 11q14.2.
Variant type: single nucleotide variant.
Coding change: c.1073A>G on transcript NM_012193.4 (MANE Select); coding-DNA position 1073, A replaced by G.
Protein change: p.Lys358Arg; replaces lysine 358 with arginine.
Molecular consequence: missense variant. On other transcripts: non-coding transcript variant (2).
Genome position (GRCh38, 1-based): chr11:86,951,683, T>C on the plus strand (A>G on the coding strand, the complement: FZD4 is on the minus strand). VCF-style: chr11-86951683-T-C. GRCh37 (hg19) VCF-style: chr11-86662725-T-C.
Other names: short protein forms K358R.
Identifiers: ClinVar variation 1716078 (VCV001716078.5), dbSNP rs2495866682, ClinGen allele CA382013293.